The following is an entry in ClinVar:

NM_000440.3(PDE6A):c.*2769A>C

Gene: PDE6A (phosphodiesterase 6A; minus strand). Cytogenetic location: 5q32.
Variant type: single nucleotide variant.
Coding change: c.*2769A>C on transcript NM_000440.3 (MANE Select); 2769 bases downstream of the stop codon, A replaced by C.
Molecular consequence: 3 prime UTR variant.
Genome position (GRCh38, 1-based): chr5:149,858,126, T>G on the plus strand (A>C on the coding strand, the complement: PDE6A is on the minus strand). VCF-style: chr5-149858126-T-G. GRCh37 (hg19) VCF-style: chr5-149237689-T-G.
Identifiers: ClinVar variation 351939 (VCV000351939.5), dbSNP rs78827133, ClinGen allele CA10619614.
Genomic context (GRCh38, chr5:149,858,126, plus strand): 5'-GGTGATGACAATGGAAAAAAGGAAGGAGTACTTTGTAGATTAAAAGAGACTTCAGAAACT[T>G]AACCATGGCTATGTGAGGTGATGGATATATTAATTAGCTTAATTATGGTAACCATTTCAC-3'

ClinVar aggregate classification (germline): Benign (1 of 4 stars; one submission).

Conditions:
Retinitis pigmentosa (RP). Identifiers: Orphanet 791, MedGen C0035334, MeSH D012174, MONDO:0019200, OMIM 268000. Inheritance: Autosomal dominant, autosomal recessive and X linked inheritance.

Allele frequency attached by ClinVar (database versions not stated): gnomAD 0.02389 and 0.02540; TOPMed 0.02683; 1000 Genomes Project 0.03195; 1000 Genomes Project 30x 0.03498.

Submission:

Illumina Laboratory Services, Illumina
Classification: Benign for Retinitis pigmentosa. Last evaluated: 2018-01-12. Review status: criteria provided, single submitter. Criteria: ICSL Variant Classification Criteria 13 December 2019. Collection method: clinical testing. Allele origin: germline.
Comment: This variant was observed in the ICSL laboratory as part of a predisposition screen in an ostensibly healthy population. It had not been previously curated by ICSL or reported in the Human Gene Mutation Database (HGMD: prior to June 1st, 2018), and was therefore a candidate for classification through an automated scoring system. Utilizing variant allele frequency, disease prevalence and penetrance estimates, and inheritance mode, an automated score was calculated to assess if this variant is too frequent to cause the disease. Based on the score and internal cut-off values, a variant classified as benign is not then subjected to further curation. The score for this variant resulted in a classification of benign for this disease.